The following is an entry in ClinVar:

ClinVar aggregate classification (germline): Uncertain significance (1 of 4 stars; one submission).

Conditions:
Hereditary cancer-predisposing syndrome. Also called: Neoplastic Syndromes, Hereditary; Tumor predisposition; Hereditary Cancer Syndrome; Hereditary neoplastic syndrome. Identifiers: Orphanet 140162, MedGen C0027672, MeSH D009386, MONDO:0015356.

Submission:

Ambry Genetics
Classification: Uncertain significance for Hereditary cancer-predisposing syndrome. Last evaluated: 2026-05-15. Review status: criteria provided, single submitter. Criteria: Ambry Variant Classification Scheme 2023. Collection method: clinical testing. Allele origin: germline.
Comment: The p.R19I variant (also known as c.56G>T), located in coding exon 1 of the ATM gene, results from a G to T substitution at nucleotide position 56. The arginine at codon 19 is replaced by isoleucine, an amino acid with similar properties. In an assay testing ATM function, this variant showed a functionally indeterminant result (Lee KS et al. Cell, 2025 Sep;188:5081-5099.e27). This amino acid position is not well conserved in available vertebrate species. In addition, this alteration is predicted to be tolerated by in silico analysis. Based on the available evidence, the clinical significance of this variant remains unclear.

Literature cited by the submitters: PubMed 40580951.

NM_000051.4(ATM):c.56G>T (p.Arg19Ile)

Gene: ATM (ATM serine/threonine kinase; plus strand). Cytogenetic location: 11q22.3.
Variant type: single nucleotide variant.
Coding change: c.56G>T on transcript NM_000051.4 (MANE Select); coding-DNA position 56, G replaced by T.
Protein change: p.Arg19Ile; replaces arginine 19 with isoleucine.
Molecular consequence: missense variant.
Genome position (GRCh38, 1-based): chr11:108,227,680, G>T. VCF-style: chr11-108227680-G-T. GRCh37 (hg19) VCF-style: chr11-108098407-G-T.
Other names: c.56G>T, p.Arg19Ile (NM_001351834.2, NM_001351835.2, NM_001351836.2); short protein forms R19I.
Identifiers: ClinVar variation 4866733 (VCV004866733.1).